The following is an entry in ClinVar:

ClinVar aggregate classification (germline): Likely benign. Review status: criteria provided, multiple submitters, no conflicts (2 of 4 stars). 2 submissions from 2 submitters: Likely benign (2). Last evaluated 2025-08-29.

Conditions:
Hypophosphatasia. Also called: Phosphoethanol-aminuria. Identifiers: Orphanet 436, MedGen C0020630, MeSH D007014, MONDO:0018570.

Submissions (2):

Genomenon, Inc
Classification: Likely benign for Hypophosphatasia. Last evaluated: 2025-08-29. Review status: criteria provided, single submitter. Criteria: Genomenon Sequence Variant Interpretation Standards. Collection method: curation. Allele origin: germline. Affected: no.
Comment: ALPL c.201G>A is a synonymous variant that retains Valine at residue 67. This variant has been reported in the published literature (PMID:9781036). It is absent or not present at a significant frequency in gnomAD. This synonymous variant is not predicted to impact splicing. In conclusion, we classify ALPL c.201G>A as a likely benign variant.

Labcorp Genetics (formerly Invitae), Labcorp
Classification: Likely benign. Last evaluated: 2022-06-17. Review status: criteria provided, single submitter. Criteria: Invitae Variant Classification Sherloc (09022015). Collection method: clinical testing. Allele origin: germline.

Literature cited by the submitters: PubMed 9781036 (cited by Genomenon, Inc).

NM_000478.6(ALPL):c.201G>A (p.Val67=)

Gene: ALPL (alkaline phosphatase, biomineralization associated; plus strand). Cytogenetic location: 1p36.12.
Variant type: single nucleotide variant.
Coding change: c.201G>A on transcript NM_000478.6 (MANE Select); coding-DNA position 201, G replaced by A.
Protein change: p.Val67=; no amino-acid change (valine 67 retained).
Molecular consequence: synonymous variant. On other transcripts: intron variant (1).
Genome position (GRCh38, 1-based): chr1:21,561,116, G>A. VCF-style: chr1-21561116-G-A. GRCh37 (hg19) VCF-style: chr1-21887609-G-A.
Other names: c.36G>A, p.Val12= (NM_001127501.4); c.201G>A, p.Val67= (NM_001369803.2, NM_001369804.2, NM_001369805.2); c.66+371G>A (NM_001177520.3).
Identifiers: ClinVar variation 2007230 (VCV002007230.5), dbSNP rs2545292026, ClinGen allele CA416534088.